The following is an entry in ClinVar:

ClinVar aggregate classification (germline): Likely benign (1 of 4 stars; one submission).

Submission:

GeneDx
Classification: Likely benign. Last evaluated: 2021-02-16. Review status: criteria provided, single submitter. Criteria: GeneDx Variant Classification Process June 2021. Collection method: clinical testing. Allele origin: germline. Affected: yes.
Comment: In-frame deletion of 1 amino acid in a non-repeat region; In silico analysis supports a deleterious effect on protein structure/function; Has not been previously published as pathogenic or benign to our knowledge

NM_001197104.2(KMT2A):c.975_977del (p.Lys326del)

Gene: KMT2A (lysine methyltransferase 2A; plus strand). Cytogenetic location: 11q23.3.
Variant type: Deletion.
Coding change: c.975_977del on transcript NM_001197104.2 (MANE Select); coding-DNA positions 975 to 977, 3 bases deleted (AAA; older notation c.975_977delAAA).
Protein change: p.Lys326del; deletes lysine 326.
Molecular consequence: inframe deletion.
Genome position (GRCh38, 1-based): chr11:118,472,134-118,472,136, AAA deleted; deleting any 3 consecutive bases within chr11:118,472,133-118,472,136 gives the same sequence; the c. name uses the placement nearest the transcript's 3' end. VCF-style (leftmost placement, unchanged base first): chr11-118472132-GAAA-G. GRCh37 (hg19) VCF-style: chr11-118342847-GAAA-G.
Other names: c.975_977del, p.Lys326del (NM_005933.4); short protein forms K326del.
Identifiers: ClinVar variation 1191019 (VCV001191019.2), dbSNP rs782497537, ClinGen allele CA6303358.